The following is an entry in ClinVar:

ClinVar aggregate classification (germline): Pathogenic (1 of 4 stars; one submission).

Conditions:
Primary ciliary dyskinesia. Also called: Ciliary dyskinesia. Identifiers: Orphanet 244, MedGen C0008780, MONDO:0016575, HP:0012265.

Submission:

Labcorp Genetics (formerly Invitae), Labcorp
Classification: Pathogenic for Primary ciliary dyskinesia. Last evaluated: 2022-12-26. Review status: criteria provided, single submitter. Criteria: Invitae Variant Classification Sherloc (09022015). Collection method: clinical testing. Allele origin: germline.
Comment: For these reasons, this variant has been classified as Pathogenic. This variant disrupts a region of the DNAH11 protein in which other variant(s) (p.Trp4505Serfs*10) have been determined to be pathogenic (Invitae). This suggests that this is a clinically significant region of the protein, and that variants that disrupt it are likely to be disease-causing. This variant has not been reported in the literature in individuals affected with DNAH11-related conditions. This variant is not present in population databases (gnomAD no frequency). This sequence change creates a premature translational stop signal (p.Tyr4427*) in the DNAH11 gene. While this is not anticipated to result in nonsense mediated decay, it is expected to disrupt the last 90 amino acid(s) of the DNAH11 protein.

NM_001277115.2(DNAH11):c.13281C>A (p.Tyr4427Ter)

Gene: DNAH11 (dynein axonemal heavy chain 11; plus strand). Cytogenetic location: 7p15.3.
Variant type: single nucleotide variant.
Coding change: c.13281C>A on transcript NM_001277115.2 (MANE Select); coding-DNA position 13281, C replaced by A.
Protein change: p.Tyr4427Ter; replaces tyrosine 4427 with a stop codon.
Molecular consequence: nonsense.
Genome position (GRCh38, 1-based): chr7:21,900,098, C>A. VCF-style: chr7-21900098-C-A. GRCh37 (hg19) VCF-style: chr7-21939716-C-A.
Other names: c.13302C>A, p.Tyr4434Ter (NM_003777.3); short protein forms Y4434*, Y4427*.
Identifiers: ClinVar variation 2824412 (VCV002824412.3), dbSNP rs760516093, ClinGen allele CA366956279.